The following is an entry in ClinVar:

ClinVar aggregate classification (germline): Uncertain significance (1 of 4 stars; one submission).

Conditions:
Arrhythmogenic right ventricular dysplasia 11. Also called: ARRHYTHMOGENIC RIGHT VENTRICULAR DYSPLASIA, FAMILIAL, 11; Arrhythmogenic Right Ventricular Dysplasia/Cardiomyopathy11; Arrhythmogenic right ventricular dysplasia 11 with mild palmoplantar keratoderma and woolly hair. Identifiers: MedGen C1864850, MONDO:0012506, OMIM 610476.

gnomAD v4.1: 1 of 1,606,632 alleles (0.000062%); highest among the groups gnomAD compares: Non-Finnish European, 0.000085%; no homozygotes.

Submission:

Labcorp Genetics (formerly Invitae), Labcorp
Classification: Uncertain significance for Arrhythmogenic right ventricular dysplasia 11. Last evaluated: 2024-04-04. Review status: criteria provided, single submitter. Criteria: Invitae Variant Classification Sherloc (09022015). Collection method: clinical testing. Allele origin: germline.
Comment: This sequence change replaces serine, which is neutral and polar, with alanine, which is neutral and non-polar, at codon 41 of the DSC2 protein (p.Ser41Ala). This variant is not present in population databases (gnomAD no frequency). This variant has not been reported in the literature in individuals affected with DSC2-related conditions. Advanced modeling of protein sequence and biophysical properties (such as structural, functional, and spatial information, amino acid conservation, physicochemical variation, residue mobility, and thermodynamic stability) performed at Invitae indicates that this missense variant is not expected to disrupt DSC2 protein function with a negative predictive value of 80%. In summary, the available evidence is currently insufficient to determine the role of this variant in disease. Therefore, it has been classified as a Variant of Uncertain Significance.

NM_024422.6(DSC2):c.121T>G (p.Ser41Ala)

Gene: DSC2 (desmocollin 2; minus strand). Cytogenetic location: 18q12.1.
Variant type: single nucleotide variant.
Coding change: c.121T>G on transcript NM_024422.6 (MANE Select); coding-DNA position 121, T replaced by G.
Protein change: p.Ser41Ala; replaces serine 41 with alanine.
Molecular consequence: missense variant. On other transcripts: 5 prime UTR variant (2).
Genome position (GRCh38, 1-based): chr18:31,093,592, A>C on the plus strand (T>G on the coding strand, the complement: DSC2 is on the minus strand). VCF-style: chr18-31093592-A-C. GRCh37 (hg19) VCF-style: chr18-28673555-A-C.
Other names: c.-309T>G (NM_001406506.1, NM_001406507.1); c.121T>G, p.Ser41Ala (NM_004949.5); short protein forms S41A.
Identifiers: ClinVar variation 3710819 (VCV003710819.2).